The following is an entry in ClinVar:

ClinVar aggregate classification (germline): Uncertain significance (1 of 4 stars; one submission).

Conditions:
INPP5B-related disorder. Also called: INPP5B-related condition.

gnomAD v4.1: 51 of 1,613,974 alleles (0.0032%); highest among the groups gnomAD compares: South Asian, 0.054%; no homozygotes.

Submission:

PreventionGenetics, part of Exact Sciences
Classification: Uncertain significance for INPP5B-related condition. Last evaluated: 2025-03-25. Review status: criteria provided, single submitter. Criteria: ACMG Guidelines, 2015. Collection method: clinical testing. Allele origin: germline.
Comment: The INPP5B c.182C>T variant is predicted to result in the amino acid substitution p.Ala61Val. To our knowledge, this variant has not been reported in the literature. This variant is reported in 0.046% of alleles in individuals of South Asian descent in gnomAD. At this time, the clinical significance of this variant is uncertain due to the absence of conclusive functional and genetic evidence.

NM_005540.3(INPP5B):c.182C>T (p.Ala61Val)

Gene: INPP5B (inositol polyphosphate-5-phosphatase B; minus strand). Cytogenetic location: 1p34.3.
Variant type: single nucleotide variant.
Coding change: c.182C>T on transcript NM_005540.3 (MANE Select); coding-DNA position 182, C replaced by T.
Protein change: p.Ala61Val; replaces alanine 61 with valine.
Molecular consequence: missense variant. On other transcripts: 5 prime UTR variant (2), non-coding transcript variant (3), intron variant (2).
Genome position (GRCh38, 1-based): chr1:37,943,864, G>A on the plus strand (C>T on the coding strand, the complement: INPP5B is on the minus strand). VCF-style: chr1-37943864-G-A. GRCh37 (hg19) VCF-style: chr1-38409536-G-A.
Other names: c.182C>T, p.Ala61Val (NM_001365820.1, NM_001365821.1); c.-193C>T (NM_001365823.1); c.-196C>T (NM_001365824.1); c.-107-195C>T (NM_001365825.1); c.185-195C>T (NM_001365822.1); short protein forms A61V.
Identifiers: ClinVar variation 4978388 (VCV004978388.1).